The following is an entry in ClinVar:

ClinVar aggregate classification (germline): Pathogenic. Review status: criteria provided, multiple submitters, no conflicts (2 of 4 stars). 3 submissions from 3 submitters: Pathogenic (3). Last evaluated 2025-11-27.

Conditions:
Developmental and epileptic encephalopathy, 7 (DEE7). Also called: Early infantile epileptic encephalopathy 7; KCNQ2-Related Neonatal Epileptic Encephalopathy; KCNQ2-Related Neonatal-Onset Developmental and Epileptic Encephalopathy (NEO-DEE). Identifiers: Orphanet 439218, MedGen C3150986, MONDO:0013387, OMIM 613720.
Early-infantile DEE. Also called: Early infantile epileptic encephalopathy; Ohtahara syndrome; Early infantile epileptic encephalopathy with suppression bursts. Identifiers: Orphanet 1934, MedGen C0393706, MONDO:0800491.

Submissions (3):

Department of Genetics, Rouen University Hospital, Normandy Center for Genomic and Personalized Medicine
Classification: Pathogenic for Developmental and epileptic encephalopathy, 7. Last evaluated: 2025-11-27. Review status: criteria provided, single submitter. Criteria: ACMG Guidelines, 2015. Collection method: clinical testing. Allele origin: de novo. Affected: yes.

CeGaT Center for Human Genetics Tuebingen
Classification: Pathogenic. Last evaluated: 2025-07-01. Review status: criteria provided, single submitter. Criteria: CeGaT Center For Human Genetics Tuebingen Variant Classification Criteria Version 2. Collection method: clinical testing. Allele origin: germline. Affected: yes. Observed: 1 variant allele.
Comment: KCNQ2: PS2, PM2, PM5, PS4:Moderate, PP2, PP3

Labcorp Genetics (formerly Invitae), Labcorp
Classification: Pathogenic for Early-infantile DEE. Last evaluated: 2022-07-19. Review status: criteria provided, single submitter. Criteria: Invitae Variant Classification Sherloc (09022015). Collection method: clinical testing. Allele origin: germline.
Comment: For these reasons, this variant has been classified as Pathogenic. Variants that disrupt the consensus splice site are a relatively common cause of aberrant splicing (PMID: 17576681, 9536098). Algorithms developed to predict the effect of missense changes on protein structure and function are either unavailable or do not agree on the potential impact of this missense change (SIFT: "Deleterious"; PolyPhen-2: "Probably Damaging"; Align-GVGD: "Class C0"). ClinVar contains an entry for this variant (Variation ID: 856627). This missense change has been observed in individual(s) with early onset epilepsy (PMID: 28420012; Invitae). In at least one individual the variant was observed to be de novo. This variant is not present in population databases (gnomAD no frequency). This sequence change replaces glutamine, which is neutral and polar, with histidine, which is basic and polar, at codon 341 of the KCNQ2 protein (p.Gln341His). This variant also falls at the last nucleotide of exon 7, which is part of the consensus splice site for this exon.

Literature cited by the submitters: PubMed 17576681 (cited by Labcorp Genetics (formerly Invitae), Labcorp); PubMed 9536098 (cited by Labcorp Genetics (formerly Invitae), Labcorp); PubMed 28420012 (cited by Labcorp Genetics (formerly Invitae), Labcorp).

NM_172107.4(KCNQ2):c.1023G>C (p.Gln341His)

Gene: KCNQ2 (potassium voltage-gated channel subfamily Q member 2; minus strand). Cytogenetic location: 20q13.33.
Variant type: single nucleotide variant.
Coding change: c.1023G>C on transcript NM_172107.4 (MANE Select); coding-DNA position 1023, G replaced by C.
Protein change: p.Gln341His; replaces glutamine 341 with histidine.
Molecular consequence: missense variant.
Genome position (GRCh38, 1-based): chr20:63,438,625, C>G on the plus strand (G>C on the coding strand, the complement: KCNQ2 is on the minus strand). VCF-style: chr20-63438625-C-G. GRCh37 (hg19) VCF-style: chr20-62069978-C-G.
Other names: c.1023G>C, p.Gln341His (NM_004518.6, NM_172106.3, NM_172108.5 and 1 more transcripts); short protein forms Q341H.
Identifiers: ClinVar variation 856627 (VCV000856627.19), dbSNP rs2081071680, ClinGen allele CA409652024.
Genomic context (GRCh38, chr20:63,438,625, plus strand): 5'-CTCAACAAGGTGGGACCAGGACAAGGGCTGTGCTGGTCCCCGGGGGACACCTGGACTCAC[C>G]TGGATCAGGCCTGCTGCCGGGTTCCGCCTCTTCTCAAAGTGCTTCTGCCTGTGCTGCTCC-3'
Protein context (NP_742105.1, residues 331-351): KRRNPAAGLI[Gln341His]SAWRFYATNL